The following is an entry in ClinVar:

NM_001164508.2(NEB):c.19429-5T>C

Genes: NEB (nebulin; minus strand), LOC126806373 (BRD4-independent group 4 enhancer GRCh37_chr2:152410007-152411206; plus strand). Cytogenetic location: 2q23.3.
Variant type: single nucleotide variant.
Coding change: c.19429-5T>C on transcript NM_001164508.2 (MANE Select); 5 bases into the intron before coding-DNA position 19429, T replaced by C.
Molecular consequence: intron variant.
Genome position (GRCh38, 1-based): chr2:151,554,030, A>G on the plus strand (T>C on the coding strand, the complement: NEB is on the minus strand). VCF-style: chr2-151554030-A-G. GRCh37 (hg19) VCF-style: chr2-152410544-A-G.
Other names: c.14326-5T>C (NM_004543.5); c.19429-5T>C (NM_001164507.2, NM_001271208.2, NM_001271208.1).
Identifiers: ClinVar variation 1547983 (VCV001547983.10), dbSNP rs758585933, ClinGen allele CA1907635.
Genomic context (GRCh38, chr2:151,554,030, plus strand): 5'-TCGGGCACGATGTGGATTTTCATCTTGTTCTTTTCATAAACTGATCTGTACAGGCGCTGT[A>G]AAGTTAAAATCACATGCCAGTTATACAGGAAATTGTGCCAAGGCATCATGGCCATACATG-3'

ClinVar aggregate classification (germline): Likely benign. Review status: criteria provided, single submitter (1 of 4 stars). 2 submissions from 2 submitters: Likely benign (1). 1 of the submissions does not count toward it. Last evaluated 2024-10-16.

Conditions:
NEB-related disorder. Also called: NEB-Related Disorders; NEB-related condition.
Nemaline myopathy 2 (NEM2). Also called: Nemaline myopathy 2, autosomal recessive. Identifiers: MedGen C1850569, MONDO:0009725, OMIM 256030.

Allele frequency attached by ClinVar (database versions not stated): gnomAD 0.00001; gnomAD exomes 0.00001 and 0.00002; TOPMed 0.00001; ExAC 0.00002.
gnomAD v4.1: 19 of 1,613,200 alleles (0.0012%); highest among the groups gnomAD compares: East Asian, 0.0067%; no homozygotes.

Submissions (2):

Labcorp Genetics (formerly Invitae), Labcorp
Classification: Likely benign for Nemaline myopathy 2. Last evaluated: 2024-10-16. Review status: criteria provided, single submitter. Criteria: Invitae Variant Classification Sherloc (09022015). Collection method: clinical testing. Allele origin: germline.

PreventionGenetics, part of Exact Sciences
Classification: Likely benign for NEB-related condition. Last evaluated: 2020-06-16. Review status: no assertion criteria provided. Collection method: clinical testing. Allele origin: germline. Not counted in ClinVar's aggregate classification.
Comment: This variant is classified as likely benign based on ACMG/AMP sequence variant interpretation guidelines (Richards et al. 2015 PMID: 25741868, with internal and published modifications).